The following is an entry in ClinVar:

NM_000051.4(ATM):c.7794A>C (p.Arg2598=)

Genes: ATM (ATM serine/threonine kinase; plus strand), C11orf65 (chromosome 11 open reading frame 65; minus strand). Cytogenetic location: 11q22.3.
Variant type: single nucleotide variant.
Coding change: c.7794A>C on transcript NM_000051.4 (MANE Select); coding-DNA position 7794, A replaced by C.
Protein change: p.Arg2598=; no amino-acid change (arginine 2598 retained).
Molecular consequence: synonymous variant. On other transcripts: intron variant (2).
Genome position (GRCh38, 1-based): chr11:108,332,767, A>C. VCF-style: chr11-108332767-A-C. GRCh37 (hg19) VCF-style: chr11-108203494-A-C.
Other names: c.7794A>C, p.Arg2598= (NM_001351834.2); c.641-23696T>G (NM_001330368.2); c.*38+2453T>G (NM_001351110.2).
Identifiers: ClinVar variation 513065 (VCV000513065.18), dbSNP rs1555125220, ClinGen allele CA476677312.

ClinVar aggregate classification (germline): Conflicting classifications of pathogenicity. Review status: criteria provided, conflicting classifications (1 of 4 stars). 5 submissions from 5 submitters: Uncertain significance (1); Benign (1); Likely benign (3). Last evaluated 2024-06-17.

Conditions:
Hereditary cancer-predisposing syndrome. Also called: Hereditary Cancer Syndrome; Neoplastic Syndromes, Hereditary; Tumor predisposition; Hereditary neoplastic syndrome. Identifiers: Orphanet 140162, MedGen C0027672, MeSH D009386, MONDO:0015356.
Ataxia-telangiectasia syndrome (AT). Also called: Cerebello-oculocutaneous telangiectasia; Immunodeficiency with ataxia telangiectasia; Ataxia-telangiectasia, complementation group E; Ataxia-telangiectasia, complementation group D; AT, COMPLEMENTATION GROUP C; ATAXIA-TELANGIECTASIA, COMPLEMENTATION GROUP A. Identifiers: Orphanet 100, MedGen C0004135, MONDO:0008840, OMIM 208900.
Familial cancer of breast. Also called: BREAST CANCER, FAMILIAL; Hereditary breast cancer; hereditary breast carcinoma. Identifiers: Orphanet 227535, MedGen C0346153, MONDO:0016419, OMIM 114480. Disease mechanism: loss of function.

Submissions (5):

Myriad Genetics, Inc.
Classification: Benign for Familial cancer of breast. Last evaluated: 2024-06-17. Review status: criteria provided, single submitter. Criteria: Myriad Autosomal Dominant, Autosomal Recessive and X-Linked Classification Criteria (2023). Collection method: clinical testing. Allele origin: unknown.
Comment: This variant is considered benign. This variant is a silent/synonymous amino acid change and it is not expected to impact splicing.

Labcorp Genetics (formerly Invitae), Labcorp
Classification: Likely benign for Ataxia-telangiectasia syndrome. Last evaluated: 2024-04-10. Review status: criteria provided, single submitter. Criteria: Invitae Variant Classification Sherloc (09022015). Collection method: clinical testing. Allele origin: germline.

Quest Diagnostics Nichols Institute San Juan Capistrano
Classification: Uncertain significance. Last evaluated: 2023-12-28. Review status: criteria provided, single submitter. Criteria: Quest Diagnostics criteria. Collection method: clinical testing. Allele origin: unknown.

Ambry Genetics
Classification: Likely benign for Hereditary cancer-predisposing syndrome. Last evaluated: 2019-02-19. Review status: criteria provided, single submitter. Criteria: Ambry Variant Classification Scheme 2023. Collection method: clinical testing. Allele origin: germline.

GeneDx
Classification: Likely benign. Last evaluated: 2017-10-26. Review status: criteria provided, single submitter. Criteria: GeneDx Variant Classification (06012015). Collection method: clinical testing. Allele origin: germline. Affected: yes.
Comment: This variant is considered likely benign or benign based on one or more of the following criteria: it is a conservative change, it occurs at a poorly conserved position in the protein, it is predicted to be benign by multiple in silico algorithms, and/or has population frequency not consistent with disease.